The following is an entry in ClinVar:

NM_001884.4(HAPLN1):c.588C>T (p.Asp196=)

Gene: HAPLN1 (hyaluronan and proteoglycan link protein 1; minus strand). Cytogenetic location: 5q14.3.
Variant type: single nucleotide variant.
Coding change: c.588C>T on transcript NM_001884.4 (MANE Select); coding-DNA position 588, C replaced by T.
Protein change: p.Asp196=; no amino-acid change (aspartic acid 196 retained).
Molecular consequence: synonymous variant.
Genome position (GRCh38, 1-based): chr5:83,644,550, G>A on the plus strand (C>T on the coding strand, the complement: HAPLN1 is on the minus strand). VCF-style: chr5-83644550-G-A. GRCh37 (hg19) VCF-style: chr5-82940369-G-A.
Identifiers: ClinVar variation 2655579 (VCV002655579.24), dbSNP rs148966419, ClinGen allele CA3334330.

ClinVar aggregate classification (germline): Likely benign (1 of 4 stars; one submission).

Allele frequency attached by ClinVar (database versions not stated): 1000 Genomes Project 30x 0.00078; 1000 Genomes Project 0.00080; TOPMed 0.00123; gnomAD 0.00160; ESP Exome Variant Server 0.00177; ExAC 0.00182; gnomAD exomes 0.00207.
gnomAD v4.1: 3,225 of 1,604,844 alleles (0.2%); highest among the groups gnomAD compares: Non-Finnish European, 0.24%; 5 homozygotes.

Submission:

CeGaT Center for Human Genetics Tuebingen
Classification: Likely benign. Last evaluated: 2022-04-01. Review status: criteria provided, single submitter. Criteria: CeGaT Center For Human Genetics Tuebingen Variant Classification Criteria Version 2. Collection method: clinical testing. Allele origin: germline. Affected: yes. Observed: 1 variant allele.
Comment: HAPLN1: BP4, BP7